The following is an entry in ClinVar:

NM_001202.6(BMP4):c.455T>C (p.Val152Ala)

Gene: BMP4 (bone morphogenetic protein 4; minus strand). Cytogenetic location: 14q22.2.
Variant type: single nucleotide variant.
Coding change: c.455T>C on transcript NM_001202.6 (MANE Select); coding-DNA position 455, T replaced by C.
Protein change: p.Val152Ala; replaces valine 152 with alanine.
Molecular consequence: missense variant.
Genome position (GRCh38, 1-based): chr14:53,950,804, A>G on the plus strand (T>C on the coding strand, the complement: BMP4 is on the minus strand). VCF-style: chr14-53950804-A-G. GRCh37 (hg19) VCF-style: chr14-54417522-A-G.
Other names: c.596T>C, p.Val199Ala (NM_001347912.1); c.266T>C, p.Val89Ala (NM_001347913.2, NM_001347915.2, NM_001347917.1); c.455T>C, p.Val152Ala (NM_001347914.2, NM_001347916.1, NM_130850.5 and 1 more transcripts); short protein forms V152A, V89A, V199A.
Identifiers: ClinVar variation 197190 (VCV000197190.30), dbSNP rs17563, ClinGen allele CA202736.

ClinVar aggregate classification (germline): Benign/Likely benign. Review status: criteria provided, multiple submitters, no conflicts (2 of 4 stars). 14 submissions from 13 submitters: Benign (7); Likely benign (3). 4 of the submissions do not count toward it. Last evaluated 2026-02-04.

Conditions:
Orofacial cleft 11 (OFC11). Also called: CLEFT LIP WITH OR WITHOUT CLEFT PALATE, NONSYNDROMIC, 11; Orofacial cleft 11; ofc11. Identifiers: MedGen C2677434, MONDO:0010906, OMIM 600625.
Microphthalmia with brain and digit anomalies (MCOPS6). Also called: MICROPHTHALMIA AND PITUITARY ANOMALIES; Microphthalmia, syndromic 6. Identifiers: Orphanet 139471, MedGen C1864689, MONDO:0011936, OMIM 607932.

Allele frequency attached by ClinVar (database versions not stated): 1000 Genomes Project 30x 0.32417; 1000 Genomes Project 0.32568; TOPMed 0.41218; gnomAD 0.43916 and 0.44424; ESP Exome Variant Server 0.45002; gnomAD exomes 0.45266 and 0.52855; ExAC 0.45702.

Submissions (14):

Labcorp Genetics (formerly Invitae), Labcorp
Classification: Benign for Microphthalmia with brain and digit anomalies; Orofacial cleft 11. Last evaluated: 2026-02-04. Review status: criteria provided, single submitter. Criteria: Invitae Variant Classification Sherloc (09022015). Collection method: clinical testing. Allele origin: germline.

Blueprint Genetics
Classification: Benign. Last evaluated: 2024-11-28. Review status: criteria provided, single submitter. Criteria: ACMG Guidelines, 2015. Collection method: clinical testing. Allele origin: germline.

Genome-Nilou Lab
Classification: Benign for Microphthalmia with brain and digit anomalies. Last evaluated: 2021-07-14. Review status: criteria provided, single submitter. Criteria: ACMG Guidelines, 2015. Collection method: clinical testing. Allele origin: germline. Affected: no.

Mendelics
Classification: Benign for Microphthalmia with brain and digit anomalies. Last evaluated: 2019-05-28. Review status: criteria provided, single submitter. Criteria: Mendelics Assertion Criteria 2017. Collection method: clinical testing. Allele origin: unknown.

GeneDx
Classification: Benign. Last evaluated: 2018-05-02. Review status: criteria provided, single submitter. Criteria: GeneDx Variant Classification (06012015). Collection method: clinical testing. Allele origin: germline. Affected: yes.
Comment: This variant is considered likely benign or benign based on one or more of the following criteria: it is a conservative change, it occurs at a poorly conserved position in the protein, it is predicted to be benign by multiple in silico algorithms, and/or has population frequency not consistent with disease.

Illumina Laboratory Services, Illumina
Classification: Likely benign for Orofacial cleft 11. Last evaluated: 2017-04-27. Review status: criteria provided, single submitter. Criteria: ICSL Variant Classification Criteria 13 December 2019. Collection method: clinical testing. Allele origin: germline.
Comment: This variant was observed as part of a predisposition screen in an ostensibly healthy population. A literature search was performed for the gene, cDNA change, and amino acid change (where applicable). No publications were found based on this search. Allele frequency data from public databases allowed determination this variant is unlikely to cause disease. Therefore, this variant is classified as likely benign.

Illumina Laboratory Services, Illumina
Classification: Likely benign for Microphthalmia with brain and digit anomalies. Last evaluated: 2017-04-27. Review status: criteria provided, single submitter. Criteria: ICSL Variant Classification Criteria 13 December 2019. Collection method: clinical testing. Allele origin: germline.
Comment: the same text as in the submission from Illumina Laboratory Services, Illumina above.

Eurofins Ntd Llc (ga)
Classification: Benign. Last evaluated: 2014-08-25. Review status: criteria provided, single submitter. Criteria: EGL Classification Definitions 2015. Collection method: clinical testing. Allele origin: germline. Observed: 2 variant alleles, 2 heterozygotes.

Breakthrough Genomics
Classification: Likely benign. Review status: criteria provided, single submitter. Criteria: ACMG Guidelines, 2015. Collection method: not provided. Allele origin: germline. Inheritance: Autosomal dominant inheritance. Affected: yes.

PreventionGenetics, part of Exact Sciences
Classification: Benign. Review status: criteria provided, single submitter. Criteria: ACMG Guidelines, 2015. Collection method: clinical testing. Allele origin: germline.

Clinical Genetics, Academic Medical Center
Classification: Benign. Review status: no assertion criteria provided. Collection method: clinical testing. Allele origin: germline. Affected: yes. Study: VKGL Data-share Consensus. Not counted in ClinVar's aggregate classification.

Diagnostic Laboratory, Department of Genetics, University Medical Center Groningen
Classification: Benign. Review status: no assertion criteria provided. Collection method: clinical testing. Allele origin: germline. Affected: yes. Study: VKGL Data-share Consensus. Not counted in ClinVar's aggregate classification.

Genome Diagnostics Laboratory, Amsterdam University Medical Center
Classification: Benign. Review status: no assertion criteria provided. Collection method: clinical testing. Allele origin: germline. Affected: yes. Study: VKGL Data-share Consensus. Not counted in ClinVar's aggregate classification.

Genome Diagnostics Laboratory, University Medical Center Utrecht
Classification: Benign. Review status: no assertion criteria provided. Collection method: clinical testing. Allele origin: germline. Affected: yes. Study: VKGL Data-share Consensus. Not counted in ClinVar's aggregate classification.